The following continues an entry in ClinVar:

NM_000466.3(PEX1):c.2097dup (p.Ile700fs)

Gene: PEX1. ClinVar aggregate classification (germline): Pathogenic. Pathogenic (33).

Submissions 28 to 45 of 45:

Genetic Services Laboratory, University of Chicago
Classification: Pathogenic for Peroxisome biogenesis disorder. Last evaluated: 2016-04-08. Review status: criteria provided, single submitter. Criteria: ACMG Guidelines, 2015. Collection method: clinical testing. Allele origin: germline. Affected: yes.

Eurofins Ntd Llc (ga)
Classification: Pathogenic. Last evaluated: 2016-03-30. Review status: criteria provided, single submitter. Criteria: EGL Classification Definitions. Collection method: clinical testing. Allele origin: germline. Observed: 4 variant alleles, 4 heterozygotes.

Centre for Mendelian Genomics, University Medical Centre Ljubljana
Classification: Pathogenic for Peroxisome biogenesis disorder 1B. Last evaluated: 2016-01-01. Review status: criteria provided, single submitter. Criteria: ACMG Guidelines, 2015. Collection method: clinical testing. Allele origin: unknown. Affected: yes.
Comment: This variant was classified as: Pathogenic. The following ACMG criteria were applied in classifying this variant: PVS1,PS1,PM2. This variant was detected in homozygous state.

Baylor Genetics
Classification: Pathogenic for Peroxisome biogenesis disorder 1A (Zellweger); Peroxisome biogenesis disorder 1B. Review status: criteria provided, single submitter. Criteria: ACMG Guidelines, 2015. Collection method: clinical testing. Allele origin: germline.

Laboratoire de Génétique Moléculaire, CHU Bordeaux
Classification: Pathogenic. Review status: criteria provided, single submitter. Criteria: ACMG Guidelines, 2015. Collection method: clinical testing. Allele origin: germline. Affected: yes.

UNC Molecular Genetics  Laboratory, University of North Carolina at Chapel Hill
Classification: Pathogenic for Peroxisome biogenesis disorder 1A (Zellweger). Review status: criteria provided, single submitter. Criteria: ACMG Guidelines, 2015. Collection method: research. Allele origin: germline. Observed: 1 variant allele. Study: CSER_NCGENES_2.
Comment: PEX1 c.2097dupT [p.I700fs] is a pathogenic frameshift variant predicted to result in premature truncation or absence of the PEX1 protein and resulting in PEX1 loss of function (PMID: 10447258). This is a rare variant that has been previously reported in Zellweger spectrum disorder (PMID:10447258; 10480353; 11389485; 12032265; 15542397; 16141001; 26387595).

Diagnostics Centre, Carl Von Ossietzky University Oldenburg
Classification: Pathogenic for Peroxisome biogenesis disorder 1A (Zellweger). Last evaluated: 2023-11-15. Review status: no assertion criteria provided. Collection method: clinical testing. Allele origin: germline. Affected: yes. Observed: 1 variant allele. Not counted in ClinVar's aggregate classification.
Comment: The variant PEX1:c.2097dupT, p.(Ile700Tyrfs*42), which is located in the coding exon 13 of the PEX1 gene, results from a single-base insertion at nucleotide position c.2097. The variant causes a frameshift that results in the replace of an isoleucine by a tyrosine at protein position 700, followed by a premature translation stop codon after 42 amino acids. The variant affects an exon (13/24) present in a biologically relevant transcript and is predicted to cause protein truncation/absent due to nonsense mediated decay in a gene where loss-of-function is a known mechanism of disease. The variant has been consistently described as Pathogenic or Likely pathogenic in 37 entries in ClinVar (ClinVar ID: 7519). The variant has been described in multiple publications in homozygous and compound heterozygous state in patients with peroxisomal diseases and represents one of the most frequent pathogenic changes in Zellweger syndrome (PMID: 10447258, 15098231, 16141001). The variant is classified as rare in the overall population (allele frequency= 0.0007808 in gnomAD, v4.1.0). In summary, this variant is classified as Pathogenic.

Zotz-Klimas Genetics Lab, MVZ Zotz Klimas
Classification: Pathogenic for Heimler syndrome 1. Last evaluated: 2023-10-30. Review status: no assertion criteria provided. Collection method: clinical testing. Allele origin: germline. Affected: yes. Not counted in ClinVar's aggregate classification.

Institute of Human Genetics, Univ. Regensburg, Univ. Regensburg
Classification: Pathogenic for Optic atrophy. Last evaluated: 2023-01-01. Review status: no assertion criteria provided. Criteria: ACMG Guidelines, 2015. Collection method: clinical testing. Allele origin: germline. Affected: yes. Not counted in ClinVar's aggregate classification.

Institute of Human Genetics, Univ. Regensburg, Univ. Regensburg
Classification: Pathogenic for Retinal dystrophy. Last evaluated: 2023-01-01. Review status: no assertion criteria provided. Criteria: ACMG Guidelines, 2015. Collection method: clinical testing. Allele origin: germline. Affected: yes. Not counted in ClinVar's aggregate classification.

OMIM
Classification: Pathogenic for PEROXISOME BIOGENESIS DISORDER 1A (ZELLWEGER). Last evaluated: 2015-10-01. Review status: no assertion criteria provided. Collection method: literature only. Allele origin: germline. Not counted in ClinVar's aggregate classification.

OMIM
Classification: Pathogenic for HEIMLER SYNDROME 1. Last evaluated: 2015-10-01. Review status: no assertion criteria provided. Collection method: literature only. Allele origin: germline. Not counted in ClinVar's aggregate classification.

Clinical Genetics DNA and cytogenetics Diagnostics Lab, Erasmus MC, Erasmus Medical Center
Classification: Pathogenic. Review status: no assertion criteria provided. Collection method: clinical testing. Allele origin: germline. Affected: yes. Study: VKGL Data-share Consensus. Not counted in ClinVar's aggregate classification.

Clinical Genetics, Academic Medical Center
Classification: Pathogenic. Review status: no assertion criteria provided. Collection method: clinical testing. Allele origin: germline. Affected: yes. Study: VKGL Data-share Consensus. Not counted in ClinVar's aggregate classification.

Diagnostic Laboratory, Department of Genetics, University Medical Center Groningen
Classification: Pathogenic. Review status: no assertion criteria provided. Collection method: clinical testing. Allele origin: germline. Affected: yes. Study: VKGL Data-share Consensus. Not counted in ClinVar's aggregate classification.

GeneReviews
No classification provided. Condition: Peroxisome biogenesis disorder. Review status: no classification provided. Collection method: literature only. Allele origin: germline. Not counted in ClinVar's aggregate classification.
Comment: NM_000466.2:c.2097dupT and NM_000466.2:c.2528G>A are the most common PEX1 variants; about 80% of persons with a PEX1 pathogenic variant have at least 1 of these common alleles.

Genome Diagnostics Laboratory, Amsterdam University Medical Center
Classification: Pathogenic. Review status: no assertion criteria provided. Collection method: clinical testing. Allele origin: germline. Affected: yes. Study: VKGL Data-share Consensus. Not counted in ClinVar's aggregate classification.

Joint Genome Diagnostic Labs from Nijmegen and Maastricht, Radboudumc and MUMC+
Classification: Likely pathogenic. Review status: no assertion criteria provided. Collection method: clinical testing. Allele origin: germline. Affected: yes. Study: VKGL Data-share Consensus. Not counted in ClinVar's aggregate classification.

Literature cited by the submitters: PubMed 10447258 (cited by 12 submitters); PubMed 12402331 (cited by 5 submitters); PubMed 17055079 (cited by Dasa and OMIM); PubMed 26287655 (cited by 4 submitters); PubMed 26387595 (cited by 6 submitters); PubMed 26643206 (cited by 3 submitters); PubMed 28468868 (cited by 4 submitters); PubMed 21031596 (cited by 3 submitters); PubMed 31831025 (cited by Labcorp Genetics (formerly Invitae), Labcorp); PubMed 32627857 (cited by Natera, Inc.); PubMed 15542397 (cited by 3 submitters); PubMed 16141001 (cited by 4 submitters); PubMed 11389485 (cited by Johns Hopkins Genomics, Johns Hopkins University and UNC Molecular Genetics  Laboratory, University of North Carolina at Chapel Hill); PubMed 15098231 (cited by Myriad Genetics, Inc. and Diagnostics Centre, Carl Von Ossietzky University Oldenburg); PubMed 20952722 (cited by Myriad Genetics, Inc. and Baylor Genetics); PubMed 23757202 (cited by Eurofins Ntd Llc (ga)); PubMed 10480353 (cited by UNC Molecular Genetics  Laboratory, University of North Carolina at Chapel Hill); PubMed 12032265 (cited by UNC Molecular Genetics  Laboratory, University of North Carolina at Chapel Hill); PubMed 1301993 (cited by OMIM); PubMed 9398847 (cited by OMIM); PubMed 2063923 (cited by OMIM); PubMed 20301621 (cited by GeneReviews).